The following is an entry in ClinVar:

ClinVar aggregate classification (germline): Likely benign. Review status: criteria provided, multiple submitters, no conflicts (2 of 4 stars). 2 submissions from 2 submitters: Likely benign (2). Last evaluated 2026-03-27.

Conditions:
Distal myopathy with posterior leg and anterior hand involvement. Also called: WILLIAMS DISTAL MYOPATHY. Identifiers: Orphanet 63273, MedGen C3279722, MONDO:0013550, OMIM 614065.
Myofibrillar myopathy 5. Also called: Filaminopathy (type); FILAMINOPATHY, AUTOSOMAL DOMINANT. Identifiers: Orphanet 171445, MedGen C1836050, MONDO:0012289, OMIM 609524.
Hypertrophic cardiomyopathy 26. Also called: Cardiomyopathy, familial hypertrophic, 26. Identifiers: Orphanet 75249, MedGen C4310749, MONDO:0014883, OMIM 617047.

Submissions (2):

Molecular Diagnostic Laboratory for Inherited Cardiovascular Disease, Montreal Heart Institute
Classification: Likely benign. Last evaluated: 2026-03-27. Review status: criteria provided, single submitter. Criteria: ACMG Guidelines, 2015. Collection method: clinical testing. Allele origin: germline. Affected: no.
Comment: BP7

Labcorp Genetics (formerly Invitae), Labcorp
Classification: Likely benign for Distal myopathy with posterior leg and anterior hand involvement; Myofibrillar myopathy 5; Hypertrophic cardiomyopathy 26. Last evaluated: 2024-11-28. Review status: criteria provided, single submitter. Criteria: Invitae Variant Classification Sherloc (09022015). Collection method: clinical testing. Allele origin: germline.

NM_001458.5(FLNC):c.5568C>T (p.Ala1856=)

Genes: FLNC (filamin C; plus strand), FLNC-AS1 (FLNC antisense RNA 1; minus strand). Cytogenetic location: 7q32.1.
Variant type: single nucleotide variant.
Coding change: c.5568C>T on transcript NM_001458.5 (MANE Select); coding-DNA position 5568, C replaced by T.
Protein change: p.Ala1856=; no amino-acid change (alanine 1856 retained).
Molecular consequence: synonymous variant.
Genome position (GRCh38, 1-based): chr7:128,851,260, C>T. VCF-style: chr7-128851260-C-T. GRCh37 (hg19) VCF-style: chr7-128491314-C-T.
Other names: c.5469C>T, p.Ala1823= (NM_001127487.2).
Identifiers: ClinVar variation 3759921 (VCV003759921.3).